The following is an entry in ClinVar:

NM_198253.3(TERT):c.767G>A (p.Trp256Ter)

Gene: TERT (telomerase reverse transcriptase; minus strand). Cytogenetic location: 5p15.33.
Variant type: single nucleotide variant.
Coding change: c.767G>A on transcript NM_198253.3 (MANE Select); coding-DNA position 767, G replaced by A.
Protein change: p.Trp256Ter; replaces tryptophan 256 with a stop codon.
Molecular consequence: nonsense. On other transcripts: non-coding transcript variant (2).
Genome position (GRCh38, 1-based): chr5:1,294,119, C>T on the plus strand (G>A on the coding strand, the complement: TERT is on the minus strand). VCF-style: chr5-1294119-C-T. GRCh37 (hg19) VCF-style: chr5-1294234-C-T.
Other names: c.767G>A, p.Trp256Ter (NM_001193376.3); short protein forms W256*.
Identifiers: ClinVar variation 1421091 (VCV001421091.6), dbSNP rs2126687935, ClinGen allele CA359056864.

ClinVar aggregate classification (germline): Pathogenic (1 of 4 stars; one submission).

Conditions:
Dyskeratosis congenita, autosomal dominant 2. Identifiers: MedGen C3151443, MONDO:0013521, OMIM 613989.
Idiopathic Pulmonary Fibrosis. Also called: Idiopathic fibrosing alveolitis, chronic form; idiopathic fibrosing alveolitis. Identifiers: Orphanet 2032, MedGen C1800706, MeSH D054990, MONDO:0800504.

Submission:

Labcorp Genetics (formerly Invitae), Labcorp
Classification: Pathogenic for Dyskeratosis congenita, autosomal dominant 2; Idiopathic Pulmonary Fibrosis. Last evaluated: 2021-07-29. Review status: criteria provided, single submitter. Criteria: Invitae Variant Classification Sherloc (09022015). Collection method: clinical testing. Allele origin: germline.
Comment: For these reasons, this variant has been classified as Pathogenic. This variant has not been reported in the literature in individuals affected with TERT-related conditions. This variant is not present in population databases (ExAC no frequency). This sequence change creates a premature translational stop signal (p.Trp256*) in the TERT gene. It is expected to result in an absent or disrupted protein product. Loss-of-function variants in TERT are known to be pathogenic (PMID: 16247010, 17460043).

Literature cited by the submitters: PubMed 16247010; PubMed 17460043.